The following is an entry in ClinVar:

ClinVar aggregate classification (germline): Benign (0 of 4 stars; one submission).

Conditions:
ZFP36L2-related disorder. Also called: ZFP36L2-related condition.

Allele frequency attached by ClinVar (database versions not stated): 1000 Genomes Project 0.02017; TOPMed 0.04481; ExAC 0.07380.

Submission:

PreventionGenetics, part of Exact Sciences
Classification: Benign for ZFP36L2-related condition. Last evaluated: 2020-01-08. Review status: no assertion criteria provided. Collection method: clinical testing. Allele origin: germline.
Comment: This variant is classified as benign based on ACMG/AMP sequence variant interpretation guidelines (Richards et al. 2015 PMID: 25741868, with internal and published modifications).

NM_006887.5(ZFP36L2):c.986C>T (p.Ala329Val)

Genes: ZFP36L2 (ZFP36 ring finger protein like 2; minus strand), LOC129933607 (ATAC-STARR-seq lymphoblastoid silent region 11421; plus strand). Cytogenetic location: 2p21.
Variant type: single nucleotide variant.
Coding change: c.986C>T on transcript NM_006887.5 (MANE Select); coding-DNA position 986, C replaced by T.
Protein change: p.Ala329Val; replaces alanine 329 with valine.
Molecular consequence: missense variant.
Genome position (GRCh38, 1-based): chr2:43,224,818, G>A on the plus strand (C>T on the coding strand, the complement: ZFP36L2 is on the minus strand). VCF-style: chr2-43224818-G-A. GRCh37 (hg19) VCF-style: chr2-43451957-G-A.
Other names: short protein forms A329V.
Identifiers: ClinVar variation 3056057 (VCV003056057.2), dbSNP rs149290349, ClinGen allele CA1631395.
Genomic context (GRCh38, chr2:43,224,818, plus strand): 5'-GGGGCCCCCGGCGCCAGCAGGTCCTCGGCGCCCCCGGTGCCGTACAGCAGAGCGGCCGCA[G>A]CCGCGGCCGCCGCGGAGGCGCAGCATGTCGGGGCGCCCGAGGGCGTGGAGGCCGCGGAGG-3'
Protein context (NP_008818.3, residues 319-339): PTCCASAAAA[Ala329Val]AAALLYGTGG